The following is an entry in ClinVar:

NM_014244.5(ADAMTS2):c.2075G>A (p.Gly692Glu)

Gene: ADAMTS2 (ADAM metallopeptidase with thrombospondin type 1 motif 2; minus strand). Cytogenetic location: 5q35.3.
Variant type: single nucleotide variant.
Coding change: c.2075G>A on transcript NM_014244.5 (MANE Select); coding-DNA position 2075, G replaced by A.
Protein change: p.Gly692Glu; replaces glycine 692 with glutamic acid.
Molecular consequence: missense variant.
Genome position (GRCh38, 1-based): chr5:179,135,919, C>T on the plus strand (G>A on the coding strand, the complement: ADAMTS2 is on the minus strand). VCF-style: chr5-179135919-C-T. GRCh37 (hg19) VCF-style: chr5-178562920-C-T.
Other names: short protein forms G692E.
Identifiers: ClinVar variation 1898856 (VCV001898856.5), dbSNP rs753322410, ClinGen allele CA362425376.

ClinVar aggregate classification (germline): Uncertain significance (1 of 4 stars; one submission).

Conditions:
Ehlers-Danlos syndrome, dermatosparaxis type. Also called: EDS VIIC; Dermatosparaxis; Ehlers-Danlos syndrome, type VII, autosomal recessive. Identifiers: Orphanet 1901, MedGen C2700425, MONDO:0009161, OMIM 225410.

Submission:

Labcorp Genetics (formerly Invitae), Labcorp
Classification: Uncertain significance for Ehlers-Danlos syndrome, dermatosparaxis type. Last evaluated: 2022-07-25. Review status: criteria provided, single submitter. Criteria: Invitae Variant Classification Sherloc (09022015). Collection method: clinical testing. Allele origin: germline.
Comment: In summary, the available evidence is currently insufficient to determine the role of this variant in disease. Therefore, it has been classified as a Variant of Uncertain Significance. Algorithms developed to predict the effect of missense changes on protein structure and function (SIFT, PolyPhen-2, Align-GVGD) all suggest that this variant is likely to be disruptive. This variant has not been reported in the literature in individuals affected with ADAMTS2-related conditions. This variant is not present in population databases (gnomAD no frequency). This sequence change replaces glycine, which is neutral and non-polar, with glutamic acid, which is acidic and polar, at codon 692 of the ADAMTS2 protein (p.Gly692Glu).